The following is an entry in ClinVar:

NM_145207.3(AFG2A):c.203T>C (p.Ile68Thr)

Gene: AFG2A (AAA ATPase AFG2A; plus strand). Cytogenetic location: 4q28.1.
Variant type: single nucleotide variant.
Coding change: c.203T>C on transcript NM_145207.3 (MANE Select); coding-DNA position 203, T replaced by C.
Protein change: p.Ile68Thr; replaces isoleucine 68 with threonine.
Molecular consequence: missense variant.
Genome position (GRCh38, 1-based): chr4:122,927,673, T>C. VCF-style: chr4-122927673-T-C. GRCh37 (hg19) VCF-style: chr4-123848828-T-C.
Other names: c.200T>C, p.Ile67Thr (NM_001317799.2, NM_001345856.2); short protein forms I67T, I68T.
Identifiers: ClinVar variation 1409063 (VCV001409063.7), dbSNP rs2125722888, ClinGen allele CA358099109.

ClinVar aggregate classification (germline): Uncertain significance (1 of 4 stars; one submission).

Conditions:
Microcephaly-intellectual disability-sensorineural hearing loss-epilepsy-abnormal muscle tone syndrome (NEDHSB). Also called: NEURODEVELOPMENTAL DISORDER WITH HEARING LOSS, SEIZURES, AND BRAIN ABNORMALITIES. Identifiers: Orphanet 457351, MedGen C4225276, MONDO:0014698, OMIM 616577.

Allele frequency attached by ClinVar (database versions not stated): gnomAD exomes 0.00001.
gnomAD v4.1: 8 of 1,612,490 alleles (0.0005%); highest among the groups gnomAD compares: Non-Finnish European, 0.00068%; no homozygotes.

Submission:

Labcorp Genetics (formerly Invitae), Labcorp
Classification: Uncertain significance for Microcephaly-intellectual disability-sensorineural hearing loss-epilepsy-abnormal muscle tone syndrome. Last evaluated: 2021-02-14. Review status: criteria provided, single submitter. Criteria: Invitae Variant Classification Sherloc (09022015). Collection method: clinical testing. Allele origin: germline.
Comment: In summary, the available evidence is currently insufficient to determine the role of this variant in disease. Therefore, it has been classified as a Variant of Uncertain Significance. Advanced modeling of protein sequence and biophysical properties (such as structural, functional, and spatial information, amino acid conservation, physicochemical variation, residue mobility, and thermodynamic stability) performed at Invitae indicates that this missense variant is not expected to disrupt SPATA5 protein function. This variant has not been reported in the literature in individuals with SPATA5-related conditions. This variant is not present in population databases (ExAC no frequency). This sequence change replaces isoleucine with threonine at codon 68 of the SPATA5 protein (p.Ile68Thr). The isoleucine residue is weakly conserved and there is a moderate physicochemical difference between isoleucine and threonine.